The following is an entry in ClinVar:

ClinVar aggregate classification (germline): Uncertain significance (1 of 4 stars; one submission).

Submission:

CeGaT Center for Human Genetics Tuebingen
Classification: Uncertain significance. Last evaluated: 2025-07-01. Review status: criteria provided, single submitter. Criteria: CeGaT Center For Human Genetics Tuebingen Variant Classification Criteria Version 2. Collection method: clinical testing. Allele origin: germline. Affected: yes. Observed: 1 variant allele.
Comment: DOCK4: PM2, BP4

NM_001363540.2(DOCK4):c.1216A>G (p.Ile406Val)

Gene: DOCK4 (dedicator of cytokinesis 4; minus strand). Cytogenetic location: 7q31.1.
Variant type: single nucleotide variant.
Coding change: c.1216A>G on transcript NM_001363540.2 (MANE Select); coding-DNA position 1216, A replaced by G.
Protein change: p.Ile406Val; replaces isoleucine 406 with valine.
Molecular consequence: missense variant.
Genome position (GRCh38, 1-based): chr7:111,901,778, T>C on the plus strand (A>G on the coding strand, the complement: DOCK4 is on the minus strand). VCF-style: chr7-111901778-T-C. GRCh37 (hg19) VCF-style: chr7-111541834-T-C.
Other names: c.1216A>G, p.Ile406Val (NM_014705.4); short protein forms I406V.
Identifiers: ClinVar variation 3778576 (VCV003778576.7).